The following is an entry in ClinVar:

ClinVar aggregate classification (germline): Uncertain significance (1 of 4 stars; one submission).

Conditions:
Neuronal ceroid lipofuscinosis 1 (CLN1). Also called: CEROID LIPOFUSCINOSIS, NEURONAL, 1, VARIABLE AGE AT ONSET; PPT1-Related Neuronal Ceroid-Lipofuscinosis. Identifiers: Orphanet 228329, MedGen C1850451, MONDO:0009744, OMIM 256730.

Submission:

Labcorp Genetics (formerly Invitae), Labcorp
Classification: Uncertain significance for Neuronal ceroid lipofuscinosis 1. Last evaluated: 2025-08-20. Review status: criteria provided, single submitter. Criteria: Invitae Variant Classification Sherloc (09022015). Collection method: clinical testing. Allele origin: germline.
Comment: This sequence change replaces serine, which is neutral and polar, with asparagine, which is neutral and polar, at codon 156 of the PPT1 protein (p.Ser156Asn). This variant is not present in population databases (gnomAD no frequency). This variant has not been reported in the literature in individuals affected with PPT1-related conditions. Invitae Evidence Modeling of protein sequence and biophysical properties (such as structural, functional, and spatial information, amino acid conservation, physicochemical variation, residue mobility, and thermodynamic stability) indicates that this missense variant is not expected to disrupt PPT1 protein function with a negative predictive value of 95%. In summary, the available evidence is currently insufficient to determine the role of this variant in disease. Therefore, it has been classified as a Variant of Uncertain Significance.

NM_000310.4(PPT1):c.467G>A (p.Ser156Asn)

Gene: PPT1 (palmitoyl-protein thioesterase 1; minus strand). Cytogenetic location: 1p34.2.
Variant type: single nucleotide variant.
Coding change: c.467G>A on transcript NM_000310.4 (MANE Select); coding-DNA position 467, G replaced by A.
Protein change: p.Ser156Asn; replaces serine 156 with asparagine.
Molecular consequence: missense variant.
Genome position (GRCh38, 1-based): chr1:40,089,479, C>T on the plus strand (G>A on the coding strand, the complement: PPT1 is on the minus strand). VCF-style: chr1-40089479-C-T. GRCh37 (hg19) VCF-style: chr1-40555151-C-T.
Other names: c.158G>A, p.Ser53Asn (NM_001142604.2); c.467G>A, p.Ser156Asn (NM_001363695.2); short protein forms S156N, S53N.
Identifiers: ClinVar variation 4754909 (VCV004754909.1).